The following is an entry in ClinVar:

ClinVar aggregate classification (germline): Uncertain significance. Review status: criteria provided, multiple submitters, no conflicts (2 of 4 stars). 2 submissions from 2 submitters: Uncertain significance (2). Last evaluated 2024-03-14.

Conditions:
Hereditary cancer-predisposing syndrome. Also called: Tumor predisposition; Hereditary neoplastic syndrome; Neoplastic Syndromes, Hereditary; Hereditary Cancer Syndrome. Identifiers: Orphanet 140162, MedGen C0027672, MeSH D009386, MONDO:0015356.
Mitochondrial complex II deficiency, nuclear type 1. Also called: SUCCINATE CoQ REDUCTASE DEFICIENCY. Identifiers: Orphanet 3208, MedGen C5700310, MONDO:0100294, OMIM 252011.
Pheochromocytoma/paraganglioma syndrome 5. Also called: Paragangliomas 5; SDHA-Related Hereditary Paraganglioma-Pheochromocytoma Syndrome. Identifiers: Orphanet 29072, MedGen C3279992, MONDO:0013602, OMIM 614165.

Allele frequency attached by ClinVar (database versions not stated): gnomAD exomes below 0.00001; TOPMed below 0.00001.
gnomAD v4.1: 2 of 1,613,994 alleles (0.00012%); highest among the groups gnomAD compares: Non-Finnish European, 0.000085%; no homozygotes.

Submissions (2):

Labcorp Genetics (formerly Invitae), Labcorp
Classification: Uncertain significance for Pheochromocytoma/paraganglioma syndrome 5; Mitochondrial complex II deficiency, nuclear type 1. Last evaluated: 2024-03-14. Review status: criteria provided, single submitter. Criteria: Invitae Variant Classification Sherloc (09022015). Collection method: clinical testing. Allele origin: germline.
Comment: This sequence change replaces glutamic acid, which is acidic and polar, with lysine, which is basic and polar, at codon 353 of the SDHA protein (p.Glu353Lys). This variant is not present in population databases (gnomAD no frequency). This variant has not been reported in the literature in individuals affected with SDHA-related conditions. ClinVar contains an entry for this variant (Variation ID: 1004739). Advanced modeling of protein sequence and biophysical properties (such as structural, functional, and spatial information, amino acid conservation, physicochemical variation, residue mobility, and thermodynamic stability) performed at Invitae indicates that this missense variant is not expected to disrupt SDHA protein function with a negative predictive value of 95%. In summary, the available evidence is currently insufficient to determine the role of this variant in disease. Therefore, it has been classified as a Variant of Uncertain Significance.

Ambry Genetics
Classification: Uncertain significance for Hereditary cancer-predisposing syndrome. Last evaluated: 2023-12-29. Review status: criteria provided, single submitter. Criteria: Ambry Variant Classification Scheme 2023. Collection method: clinical testing. Allele origin: germline.
Comment: The p.E353K variant (also known as c.1057G>A), located in coding exon 8 of the SDHA gene, results from a G to A substitution at nucleotide position 1057. The glutamic acid at codon 353 is replaced by lysine, an amino acid with similar properties. This amino acid position is highly conserved in available vertebrate species. In addition, this alteration is predicted to be deleterious by in silico analysis. Since supporting evidence is limited at this time, the clinical significance of this alteration remains unclear.

NM_004168.4(SDHA):c.1057G>A (p.Glu353Lys)

Gene: SDHA (succinate dehydrogenase complex flavoprotein subunit A; plus strand). Cytogenetic location: 5p15.33.
Variant type: single nucleotide variant.
Coding change: c.1057G>A on transcript NM_004168.4 (MANE Select); coding-DNA position 1057, G replaced by A.
Protein change: p.Glu353Lys; replaces glutamic acid 353 with lysine.
Molecular consequence: missense variant.
Genome position (GRCh38, 1-based): chr5:233,638, G>A. VCF-style: chr5-233638-G-A. GRCh37 (hg19) VCF-style: chr5-233753-G-A.
Other names: c.913G>A, p.Glu305Lys (NM_001294332.2); c.1057G>A, p.Glu353Lys (NM_001330758.2); short protein forms E305K, E353K.
Identifiers: ClinVar variation 1004739 (VCV001004739.11), dbSNP rs1328911130, ClinGen allele CA359013005.